The following is an entry in ClinVar:

NM_001048174.2(MUTYH):c.922A>G (p.Thr308Ala)

Gene: MUTYH (mutY DNA glycosylase; minus strand). Cytogenetic location: 1p34.1.
Variant type: single nucleotide variant.
Coding change: c.922A>G on transcript NM_001048174.2 (MANE Select); coding-DNA position 922, A replaced by G.
Protein change: p.Thr308Ala; replaces threonine 308 with alanine.
Molecular consequence: missense variant. On other transcripts: non-coding transcript variant (2).
Genome position (GRCh38, 1-based): chr1:45,331,841, T>C on the plus strand (A>G on the coding strand, the complement: MUTYH is on the minus strand). VCF-style: chr1-45331841-T-C. GRCh37 (hg19) VCF-style: chr1-45797513-T-C.
Other names: c.922A>G, p.Thr308Ala (NM_001048171.2, NM_001048173.2, NM_001293195.2); c.925A>G, p.Thr309Ala (NM_001048172.2); c.1006A>G, p.Thr336Ala (NM_001128425.2); c.967A>G, p.Thr323Ala (NM_001293190.2); c.955A>G, p.Thr319Ala (NM_001293191.2); c.646A>G, p.Thr216Ala (NM_001293192.2, NM_001293196.2); c.577A>G, p.Thr193Ala (NM_001350650.2, NM_001350651.2); c.997A>G, p.Thr333Ala (NM_012222.3); short protein forms T336A, T216A, T309A, T308A, T319A, T323A, T193A, T333A.
Identifiers: ClinVar variation 481793 (VCV000481793.14), dbSNP rs1553127030, ClinGen allele CA340133915.

ClinVar aggregate classification (germline): Conflicting classifications of pathogenicity. Review status: criteria provided, conflicting classifications (1 of 4 stars). 2 submissions from 2 submitters: Uncertain significance (1); Benign (1). Last evaluated 2025-09-09.

Conditions:
Hereditary cancer-predisposing syndrome. Also called: Hereditary neoplastic syndrome; Hereditary Cancer Syndrome; Neoplastic Syndromes, Hereditary; Tumor predisposition. Identifiers: Orphanet 140162, MedGen C0027672, MeSH D009386, MONDO:0015356.
Familial adenomatous polyposis 2. Also called: MYH-associated polyposis; COLORECTAL ADENOMATOUS POLYPOSIS, AUTOSOMAL RECESSIVE; ADENOMAS, MULTIPLE COLORECTAL, AUTOSOMAL RECESSIVE; MUTYH-related attenuated familial adenomatous polyposis; Adenomas, multiple colorectal; FAP type 2. Identifiers: Orphanet 220460, Orphanet 247798, MedGen C3272841, MONDO:0012041, OMIM 608456.

Submissions (2):

Ambry Genetics
Classification: Benign for Hereditary cancer-predisposing syndrome. Last evaluated: 2025-09-09. Review status: criteria provided, single submitter. Criteria: Ambry Variant Classification Scheme 2023. Collection method: clinical testing. Allele origin: germline.

Labcorp Genetics (formerly Invitae), Labcorp
Classification: Uncertain significance for Familial adenomatous polyposis 2. Last evaluated: 2022-01-07. Review status: criteria provided, single submitter. Criteria: Invitae Variant Classification Sherloc (09022015). Collection method: clinical testing. Allele origin: germline.
Comment: In summary, the available evidence is currently insufficient to determine the role of this variant in disease. Therefore, it has been classified as a Variant of Uncertain Significance. Algorithms developed to predict the effect of missense changes on protein structure and function output the following: SIFT: "Tolerated"; PolyPhen-2: "Benign"; Align-GVGD: "Class C0". The alanine amino acid residue is found in multiple mammalian species, which suggests that this missense change does not adversely affect protein function. ClinVar contains an entry for this variant (Variation ID: 481793). This variant has not been reported in the literature in individuals affected with MUTYH-related conditions. This variant is not present in population databases (gnomAD no frequency). This sequence change replaces threonine, which is neutral and polar, with alanine, which is neutral and non-polar, at codon 336 of the MUTYH protein (p.Thr336Ala).

Literature cited by the submitters: PubMed 40738107 (cited by Ambry Genetics).